The following is an entry in ClinVar:

ClinVar aggregate classification (germline): Benign. Review status: criteria provided, multiple submitters, no conflicts (2 of 4 stars). 3 submissions from 3 submitters: Benign (2). 1 of the submissions does not count toward it. Last evaluated 2026-02-04.

Conditions:
SUCO-related disorder. Also called: SUCO-related condition.

Allele frequency attached by ClinVar (database versions not stated): gnomAD 0.22692 and 0.23124; TOPMed 0.23585; gnomAD exomes 0.23725 and 0.23867; ESP Exome Variant Server 0.23789; ExAC 0.24388; 1000 Genomes Project 30x 0.25328; 1000 Genomes Project 0.25419.
gnomAD v4.1: 381,621 of 1,608,236 alleles (24%); highest among the groups gnomAD compares: South Asian, 37%; 47,429 homozygotes.

Submissions (4):

Labcorp Genetics (formerly Invitae), Labcorp
Classification: Benign. Last evaluated: 2026-02-04. Review status: criteria provided, single submitter. Criteria: Invitae Variant Classification Sherloc (09022015). Collection method: clinical testing. Allele origin: germline.

Breakthrough Genomics
Classification: Benign. Review status: criteria provided, single submitter. Criteria: ACMG Guidelines, 2015. Collection method: not provided. Allele origin: germline. Inheritance: Unknown mechanism. Affected: yes.

PreventionGenetics, part of Exact Sciences
Classification: Benign for SUCO-related condition. Last evaluated: 2019-10-31. Review status: no assertion criteria provided. Collection method: clinical testing. Allele origin: germline. Not counted in ClinVar's aggregate classification.
Comment: This variant is classified as benign based on ACMG/AMP sequence variant interpretation guidelines (Richards et al. 2015 PMID: 25741868, with internal and published modifications).

Dr. Peter K. Rogan Lab, Western University
No classification provided (evidence only). Condition: Malignant lymphoma, large B-cell, diffuse. Review status: no classification provided. Collection method: in vitro. Allele origin: not applicable. Functional consequence: retained intron. Not counted in ClinVar's aggregate classification.

NM_014283.5(SUCO):c.1368A>G (p.Glu456=)

Gene: SUCO (SUN domain containing ossification factor; plus strand). Cytogenetic location: 1q24.3.
Variant type: single nucleotide variant.
Coding change: c.1368A>G on transcript NM_014283.5 (MANE Select); coding-DNA position 1368, A replaced by G.
Protein change: p.Glu456=; no amino-acid change (glutamic acid 456 retained).
Molecular consequence: synonymous variant. On other transcripts: 5 prime UTR variant (1).
Genome position (GRCh38, 1-based): chr1:172,578,325, A>G. VCF-style: chr1-172578325-A-G. GRCh37 (hg19) VCF-style: chr1-172547465-A-G.
Other names: c.1821A>G (NM_016227.3); c.1257A>G, p.Glu419= (NM_001282750.2); c.-162A>G (NM_001282751.2); c.1821A>G, p.Glu607= (NM_016227.4).
Identifiers: ClinVar variation 1647389 (VCV001647389.12), dbSNP rs2285664, ClinGen allele CA1246852.